The following is an entry in ClinVar:

ClinVar aggregate classification (germline): Uncertain significance (1 of 4 stars; one submission).

Conditions:
Noonan syndrome 9 (NS9). Identifiers: Orphanet 648, MedGen C4225282, MONDO:0014691, OMIM 616559.

Submission:

Labcorp Genetics (formerly Invitae), Labcorp
Classification: Uncertain significance for Noonan syndrome 9. Last evaluated: 2024-04-22. Review status: criteria provided, single submitter. Criteria: Invitae Variant Classification Sherloc (09022015). Collection method: clinical testing. Allele origin: germline.
Comment: This sequence change replaces valine, which is neutral and non-polar, with glycine, which is neutral and non-polar, at codon 719 of the SOS2 protein (p.Val719Gly). This variant is not present in population databases (gnomAD no frequency). This variant has not been reported in the literature in individuals affected with SOS2-related conditions. Advanced modeling of protein sequence and biophysical properties (such as structural, functional, and spatial information, amino acid conservation, physicochemical variation, residue mobility, and thermodynamic stability) has been performed at Invitae for this missense variant, however the output from this modeling did not meet the statistical confidence thresholds required to predict the impact of this variant on SOS2 protein function. Algorithms developed to predict the effect of sequence changes on RNA splicing suggest that this variant may create or strengthen a splice site. In summary, the available evidence is currently insufficient to determine the role of this variant in disease. Therefore, it has been classified as a Variant of Uncertain Significance.

NM_006939.4(SOS2):c.2156T>G (p.Val719Gly)

Gene: SOS2 (SOS Ras/Rho guanine nucleotide exchange factor 2; minus strand). Cytogenetic location: 14q21.3.
Variant type: single nucleotide variant.
Coding change: c.2156T>G on transcript NM_006939.4 (MANE Select); coding-DNA position 2156, T replaced by G.
Protein change: p.Val719Gly; replaces valine 719 with glycine.
Molecular consequence: missense variant.
Genome position (GRCh38, 1-based): chr14:50,153,075, A>C on the plus strand (T>G on the coding strand, the complement: SOS2 is on the minus strand). VCF-style: chr14-50153075-A-C. GRCh37 (hg19) VCF-style: chr14-50619793-A-C.
Other names: c.2057T>G, p.Val686Gly (NM_001411020.1); short protein forms V719G, V686G.
Identifiers: ClinVar variation 3674263 (VCV003674263.2).
Genomic context (GRCh38, chr14:50,153,075, plus strand): 5'-TTGAACATAAACTCATGTTCAATATAAGATTCAATCAAACCTTTATATAATATACCTCTT[A>C]CACTTGAAATGAAGGATTCTAGTCTTTCAAGCAATTCCAAGTCTCTTTCAAAGTCATAAA-3'
Protein context (NP_008870.2, residues 709-729): LERLESFISS[Val719Gly]RGKAMKKWVE